The following is an entry in ClinVar:

NM_001106.4(ACVR2B):c.1480G>A (p.Val494Ile)

Gene: ACVR2B (activin A receptor type 2B; plus strand). Cytogenetic location: 3p22.2.
Variant type: single nucleotide variant.
Coding change: c.1480G>A on transcript NM_001106.4 (MANE Select); coding-DNA position 1480, G replaced by A.
Protein change: p.Val494Ile; replaces valine 494 with isoleucine.
Molecular consequence: missense variant.
Genome position (GRCh38, 1-based): chr3:38,483,273, G>A. VCF-style: chr3-38483273-G-A. GRCh37 (hg19) VCF-style: chr3-38524764-G-A.
Other names: short protein forms V494I.
Identifiers: ClinVar variation 6859 (VCV000006859.9), dbSNP rs121434438, ClinGen allele CA281592.

ClinVar aggregate classification (germline): Uncertain significance. Review status: criteria provided, multiple submitters, no conflicts (2 of 4 stars). 3 submissions from 3 submitters: Uncertain significance (2). 1 of the submissions does not count toward it. Last evaluated 2021-08-03.

Conditions:
Heterotaxy, visceral, 4, autosomal (HTX4). Identifiers: Orphanet 450, MedGen C3151057, MONDO:0013403, OMIM 613751.

Allele frequency attached by ClinVar (database versions not stated): TOPMed below 0.00001; gnomAD 0.00001; gnomAD exomes 0.00001 and 0.00002; ExAC 0.00002.
gnomAD v4.1: 14 of 1,613,870 alleles (0.00087%); highest among the groups gnomAD compares: South Asian, 0.0011%; no homozygotes.

Submissions (3):

Labcorp Genetics (formerly Invitae), Labcorp
Classification: Uncertain significance for Heterotaxy, visceral, 4, autosomal. Last evaluated: 2021-08-03. Review status: criteria provided, single submitter. Criteria: Invitae Variant Classification Sherloc (09022015). Collection method: clinical testing. Allele origin: germline.
Comment: Advanced modeling of protein sequence and biophysical properties (such as structural, functional, and spatial information, amino acid conservation, physicochemical variation, residue mobility, and thermodynamic stability) performed at Invitae indicates that this missense variant is not expected to disrupt ACVR2B protein function. ClinVar contains an entry for this variant (Variation ID: 6859). This missense change has been observed in individual(s) with ACVR2B-related conditions (PMID: 9916847). This variant is present in population databases (rs121434438, ExAC 0.004%). This sequence change replaces valine with isoleucine at codon 494 of the ACVR2B protein (p.Val494Ile). The valine residue is moderately conserved and there is a small physicochemical difference between valine and isoleucine. In summary, the available evidence is currently insufficient to determine the role of this variant in disease. Therefore, it has been classified as a Variant of Uncertain Significance.

Breakthrough Genomics
Classification: Uncertain significance. Review status: criteria provided, single submitter. Criteria: ACMG Guidelines, 2015. Collection method: not provided. Allele origin: germline. Inheritance: Unknown mechanism. Affected: yes.

OMIM
Classification: Pathogenic for HETEROTAXY, VISCERAL, 4, AUTOSOMAL. Last evaluated: 1999-01-01. Review status: no assertion criteria provided. Collection method: literature only. Allele origin: germline. Not counted in ClinVar's aggregate classification.

Literature cited by the submitters: PubMed 9916847 (cited by Labcorp Genetics (formerly Invitae), Labcorp and OMIM).